The following is an entry in ClinVar:

ClinVar aggregate classification (germline): Uncertain significance. Review status: reviewed by expert panel (3 of 4 stars). 2 submissions from 2 submitters: Uncertain significance (1). 1 of the submissions does not count toward it. Last evaluated 2024-05-01.

Conditions:
Recombinase activating gene 2 deficiency. Also called: RAG2 deficiency. Identifiers: MedGen CN257931, MONDO:0000573.
Histiocytic medullary reticulosis. Also called: SEVERE COMBINED IMMUNODEFICIENCY WITH HYPEREOSINOPHILIA; Omenn syndrome. Identifiers: Orphanet 39041, MedGen C2700553, MONDO:0011338, OMIM 603554.

Submissions (2):

ClinGen Severe Combined Immunodeficiency Variant Curation Expert Panel, ClinGen
Classification: Uncertain significance for Recombinase activating gene 2 deficiency. Last evaluated: 2024-05-01. Review status: reviewed by expert panel. Criteria: ClinGen SCID ACMG Specifications RAG2 V1.0.0. Collection method: curation. Allele origin: germline. Inheritance: Autosomal recessive inheritance.
Comment: NM_000536.4(RAG2):c.77G>C is a missense variant predicted to cause substitution of Glycine by Alanine at amino acid 26 (p.Gly26Ala).This missense variant is located in the core domain (amino acids 1-383) (PM1_supporting). The variant is absent in gnomAD v4 (PM2_supporting). To our knowledge, this variant has not been reported in the literature in individuals affected with RAG2 related conditions or in functional studies. In summary, this variant meets the criteria to be classified as a variant of uncertain significance for autosomal recessive severe combined immunodeficiency due to RAG2 deficiency based on the ACMG/AMP criteria applied, as specified by the ClinGen SCID VCEP:PM1_supporting, PM2_supporting (VCEP specifications version 1).

Natera, Inc.
Classification: Uncertain significance for Omenn syndrome. Last evaluated: 2020-04-13. Review status: no assertion criteria provided. Collection method: clinical testing. Allele origin: germline. Not counted in ClinVar's aggregate classification.

NM_000536.4(RAG2):c.77G>C (p.Gly26Ala)

Gene: RAG2 (recombination activating 2; minus strand). Cytogenetic location: 11p12.
Variant type: single nucleotide variant.
Coding change: c.77G>C on transcript NM_000536.4 (MANE Select); coding-DNA position 77, G replaced by C.
Protein change: p.Gly26Ala; replaces glycine 26 with alanine.
Molecular consequence: missense variant.
Genome position (GRCh38, 1-based): chr11:36,594,092, C>G on the plus strand (G>C on the coding strand, the complement: RAG2 is on the minus strand). VCF-style: chr11-36594092-C-G. GRCh37 (hg19) VCF-style: chr11-36615642-C-G.
Other names: NM_000536.4(RAG2):c.77G>C; p.Gly26Ala; c.77G>C, p.Gly26Ala (NM_001243785.2, NM_001243786.2); short protein forms G26A.
Identifiers: ClinVar variation 990456 (VCV000990456.1), dbSNP rs1851105838, ClinGen allele CA380144800.